The following is an entry in ClinVar:

ClinVar aggregate classification (germline): Likely benign. Review status: criteria provided, single submitter (1 of 4 stars). 2 submissions from 2 submitters: Likely benign (1). 1 of the submissions does not count toward it. Last evaluated 2022-12-01.

Conditions:
PLXNA3-related disorder. Also called: PLXNA3-related condition.

Allele frequency attached by ClinVar (database versions not stated): gnomAD exomes 0.00002; ExAC 0.00003; TOPMed 0.00003; gnomAD 0.00004.
gnomAD v4.1: 23 of 1,211,699 alleles (0.0019%); highest among the groups gnomAD compares: Middle Eastern, 0.21%; no homozygotes.

Submissions (2):

CeGaT Center for Human Genetics Tuebingen
Classification: Likely benign. Last evaluated: 2022-12-01. Review status: criteria provided, single submitter. Criteria: CeGaT Center For Human Genetics Tuebingen Variant Classification Criteria Version 2. Collection method: clinical testing. Allele origin: germline. Affected: yes. Observed: 1 variant allele.
Comment: PLXNA3: BP4, BP7, BS2

PreventionGenetics, part of Exact Sciences
Classification: Likely benign for PLXNA3-related condition. Last evaluated: 2023-08-03. Review status: no assertion criteria provided. Collection method: clinical testing. Allele origin: germline. Not counted in ClinVar's aggregate classification.
Comment: This variant is classified as likely benign based on ACMG/AMP sequence variant interpretation guidelines (Richards et al. 2015 PMID: 25741868, with internal and published modifications).

NM_017514.5(PLXNA3):c.759G>A (p.Ala253=)

Gene: PLXNA3 (plexin A3; plus strand). Cytogenetic location: Xq28.
Variant type: single nucleotide variant.
Coding change: c.759G>A on transcript NM_017514.5 (MANE Select); coding-DNA position 759, G replaced by A.
Protein change: p.Ala253=; no amino-acid change (alanine 253 retained).
Molecular consequence: synonymous variant.
Genome position (GRCh38, 1-based): chrX:154,461,263, G>A. VCF-style: chrX-154461263-G-A. GRCh37 (hg19) VCF-style: chrX-153689603-G-A.
Identifiers: ClinVar variation 2661826 (VCV002661826.25), dbSNP rs782248664, ClinGen allele CA10563802.
Genomic context (GRCh38, chrX:154,461,263, plus strand): 5'-CTCCTTCGTGTACTTCCTGACGCTGCAGCTGGACACCCAGCAGACGCTGTTGGACACAGC[G>A]GGCGAGAAATTTTTCACGTCCAAGATCGTGCGCATGTGCGCGGGAGACTCAGAGTTCTAC-3'
Protein context (NP_059984.3, residues 243-263): LDTQQTLLDT[Ala253=]GEKFFTSKIV